The following is an entry in ClinVar:

NM_001263.4(CDS1):c.723-4dup

Gene: CDS1 (CDP-diacylglycerol synthase 1; plus strand). Cytogenetic location: 4q21.23.
Variant type: Duplication.
Coding change: c.723-4dup on transcript NM_001263.4 (MANE Select); 4 bases into the intron before coding-DNA position 723, one base duplicated (A; older notation c.723-4dupA).
Molecular consequence: intron variant.
Genome position (GRCh38, 1-based): chr4:84,635,260, A duplicated; the last of 5 consecutive A bases (chr4:84,635,256-84,635,260); duplicating any one gives the same sequence. VCF-style (leftmost placement, unchanged base first): chr4-84635255-T-TA. GRCh37 (hg19) VCF-style: chr4-85556408-T-TA.
Identifiers: ClinVar variation 3043841 (VCV003043841.2), dbSNP rs748866234, ClinGen allele CA2991689.

ClinVar aggregate classification (germline): Likely benign (0 of 4 stars; one submission).

Conditions:
CDS1-related disorder. Also called: CDS1-related condition.

Submission:

PreventionGenetics, part of Exact Sciences
Classification: Likely benign for CDS1-related condition. Last evaluated: 2020-01-14. Review status: no assertion criteria provided. Collection method: clinical testing. Allele origin: germline.
Comment: This variant is classified as likely benign based on ACMG/AMP sequence variant interpretation guidelines (Richards et al. 2015 PMID: 25741868, with internal and published modifications).